The following is an entry in ClinVar:

ClinVar aggregate classification (germline): Uncertain significance (1 of 4 stars; one submission).

Conditions:
Charcot-Marie-Tooth disease axonal type 2P. Also called: CHARCOT-MARIE-TOOTH NEUROPATHY, TYPE 2P; Charcot-Marie-Tooth Neuropathy Type 2G; CHARCOT-MARIE-TOOTH DISEASE, AXONAL, TYPE 2G; CMT 2G. Identifiers: Orphanet 300319, Orphanet 99941, MedGen C3280797, MONDO:0013753, OMIM 614436.

Submission:

Labcorp Genetics (formerly Invitae), Labcorp
Classification: Uncertain significance for Charcot-Marie-Tooth disease axonal type 2P. Last evaluated: 2023-06-09. Review status: criteria provided, single submitter. Criteria: Invitae Variant Classification Sherloc (09022015). Collection method: clinical testing. Allele origin: germline.
Comment: In summary, the available evidence is currently insufficient to determine the role of this variant in disease. Therefore, it has been classified as a Variant of Uncertain Significance. Advanced modeling of protein sequence and biophysical properties (such as structural, functional, and spatial information, amino acid conservation, physicochemical variation, residue mobility, and thermodynamic stability) performed at Invitae indicates that this missense variant is expected to disrupt LRSAM1 protein function. This variant has not been reported in the literature in individuals affected with LRSAM1-related conditions. This variant is not present in population databases (gnomAD no frequency). This sequence change replaces cysteine, which is neutral and slightly polar, with serine, which is neutral and polar, at codon 675 of the LRSAM1 protein (p.Cys675Ser).

NM_001005373.4(LRSAM1):c.2023T>A (p.Cys675Ser)

Gene: LRSAM1 (leucine rich repeat and sterile alpha motif containing 1; plus strand). Cytogenetic location: 9q34.11.
Variant type: single nucleotide variant.
Coding change: c.2023T>A on transcript NM_001005373.4 (MANE Select); coding-DNA position 2023, T replaced by A.
Protein change: p.Cys675Ser; replaces cysteine 675 with serine.
Molecular consequence: missense variant. On other transcripts: non-coding transcript variant (2).
Genome position (GRCh38, 1-based): chr9:127,501,120, T>A. VCF-style: chr9-127501120-T-A. GRCh37 (hg19) VCF-style: chr9-130263399-T-A.
Other names: c.2023T>A, p.Cys675Ser (NM_001005374.4, NM_001384142.1, NM_138361.5); c.1942T>A, p.Cys648Ser (NM_001190723.3); c.1924T>A, p.Cys642Ser (NM_001384143.1); c.1234T>A, p.Cys412Ser (NM_001384144.1); short protein forms C675S, C648S, C412S, C642S.
Identifiers: ClinVar variation 2701991 (VCV002701991.3), dbSNP rs2539464537, ClinGen allele CA374938327.